The following is an entry in ClinVar:

ClinVar aggregate classification (germline): Uncertain significance. Review status: criteria provided, multiple submitters, no conflicts (2 of 4 stars). 2 submissions from 2 submitters: Uncertain significance (2). Last evaluated 2020-10-15.

Conditions:
Hypertrophic cardiomyopathy. Also called: HYPERTROPHIC MYOCARDIOPATHY. Identifiers: Orphanet 217569, MedGen C0007194, MeSH D002312, MONDO:0005045, HP:0001639.

Submissions (2):

GeneDx
Classification: Uncertain significance. Last evaluated: 2020-10-15. Review status: criteria provided, single submitter. Criteria: GeneDx Variant Classification Process June 2021. Collection method: clinical testing. Allele origin: germline. Affected: yes.
Comment: Has not been previously published as pathogenic or benign to our knowledge; Not observed in large population cohorts (Lek et al., 2016); In silico analysis supports that this missense variant has a deleterious effect on protein structure/function; Reported in ClinVar as a variant of uncertain significance (ClinVar Variant ID# 408133; Landrum et al., 2016)

Labcorp Genetics (formerly Invitae), Labcorp
Classification: Uncertain significance for Hypertrophic cardiomyopathy. Last evaluated: 2016-05-23. Review status: criteria provided, single submitter. Criteria: Invitae Variant Classification Sherloc (09022015). Collection method: clinical testing. Allele origin: germline.
Comment: In summary, this variant is a novel missense change with uncertain impact on protein function. It has been classified as a Variant of Uncertain Significance. Algorithms developed to predict the effect of missense changes on protein structure and function do not agree on the potential impact of this missense change (SIFT: "Deleterious"; PolyPhen-2: "Benign"; Align-GVGD: "Class C0"). This variant is not present in population databases (ExAC no frequency) and has not been reported in the literature in individuals with a TPM1-related disease. This sequence change replaces glutamine with arginine at codon 47 of the TPM1 protein (p.Gln47Arg). The glutamine residue is moderately conserved and there is a small physicochemical difference between glutamine and arginine.

NM_001018005.2(TPM1):c.140A>G (p.Gln47Arg)

Gene: TPM1 (tropomyosin 1; plus strand). Cytogenetic location: 15q22.2.
Variant type: single nucleotide variant.
Coding change: c.140A>G on transcript NM_001018005.2 (MANE Select); coding-DNA position 140, A replaced by G.
Protein change: p.Gln47Arg; replaces glutamine 47 with arginine.
Molecular consequence: missense variant. On other transcripts: intron variant (3).
Genome position (GRCh38, 1-based): chr15:63,044,052, A>G. VCF-style: chr15-63044052-A-G. GRCh37 (hg19) VCF-style: chr15-63336251-A-G.
Other names: c.140A>G, p.Gln47Arg (NM_000366.6, NM_001018004.2, NM_001018006.2 and 3 more transcripts); c.266A>G, p.Gln89Arg (NM_001365778.1); c.240+221A>G (NM_001018020.2, NM_001018007.2, NM_001301244.2); short protein forms Q47R, Q89R.
Identifiers: ClinVar variation 408133 (VCV000408133.10), dbSNP rs1060501864, ClinGen allele CA16614465.
Genomic context (GRCh38, chr15:63,044,052, plus strand): 5'-CCCCTCCCTCCCTGTACCCCCTGGCCAACTCCCAGCTGGAAGATGAGCTGGTGTCACTGC[A>G]AAAGAAACTCAAGGGCACCGAAGATGAACTGGACAAATACTCTGAGGCTCTCAAAGATGC-3'
Protein context (NP_001018005.1, residues 37-57): KQLEDELVSL[Gln47Arg]KKLKGTEDEL